The following is an entry in ClinVar:

ClinVar aggregate classification (germline): Uncertain significance (1 of 4 stars; one submission).

Conditions:
Familial temporal lobe epilepsy 7. Identifiers: Orphanet 101046, MedGen C4225327, MONDO:0014639, OMIM 616436.
Norman-Roberts syndrome (LIS2). Also called: Lissencephaly 2 (Norman-Roberts type). Identifiers: Orphanet 89844, MedGen C0796089, MONDO:0009760, OMIM 257320.

Allele frequency attached by ClinVar (database versions not stated): gnomAD exomes below 0.00001; TOPMed 0.00001.
gnomAD v4.1: 1 of 1,613,922 alleles (0.000062%); highest among the groups gnomAD compares: Non-Finnish European, 0.000085%; no homozygotes.

Submission:

Labcorp Genetics (formerly Invitae), Labcorp
Classification: Uncertain significance for Familial temporal lobe epilepsy 7; Norman-Roberts syndrome. Last evaluated: 2022-06-13. Review status: criteria provided, single submitter. Criteria: Invitae Variant Classification Sherloc (09022015). Collection method: clinical testing. Allele origin: germline.
Comment: This variant is not present in population databases (gnomAD no frequency). This sequence change replaces glutamine, which is neutral and polar, with arginine, which is basic and polar, at codon 417 of the RELN protein (p.Gln417Arg). In summary, the available evidence is currently insufficient to determine the role of this variant in disease. Therefore, it has been classified as a Variant of Uncertain Significance. Algorithms developed to predict the effect of missense changes on protein structure and function are either unavailable or do not agree on the potential impact of this missense change (SIFT: "Tolerated"; PolyPhen-2: "Probably Damaging"; Align-GVGD: "Class C0"). ClinVar contains an entry for this variant (Variation ID: 542568). This variant has not been reported in the literature in individuals affected with RELN-related conditions.

NM_005045.4(RELN):c.1250A>G (p.Gln417Arg)

Gene: RELN (reelin; minus strand). Cytogenetic location: 7q22.1.
Variant type: single nucleotide variant.
Coding change: c.1250A>G on transcript NM_005045.4 (MANE Select); coding-DNA position 1250, A replaced by G.
Protein change: p.Gln417Arg; replaces glutamine 417 with arginine.
Molecular consequence: missense variant.
Genome position (GRCh38, 1-based): chr7:103,682,155, T>C on the plus strand (A>G on the coding strand, the complement: RELN is on the minus strand). VCF-style: chr7-103682155-T-C. GRCh37 (hg19) VCF-style: chr7-103322602-T-C.
Other names: c.1250A>G, p.Gln417Arg (NM_173054.3); short protein forms Q417R.
Identifiers: ClinVar variation 542568 (VCV000542568.8), dbSNP rs1554402126, ClinGen allele CA368926231.